The following is an entry in ClinVar:

ClinVar aggregate classification (germline): Conflicting classifications of pathogenicity. Review status: criteria provided, conflicting classifications (1 of 4 stars). 3 submissions from 3 submitters: Likely pathogenic (2); Uncertain significance (1). Last evaluated 2024-03-19.

Conditions:
Tuberous sclerosis 2 (TSC2). Identifiers: Orphanet 805, MedGen C1860707, MONDO:0013199, OMIM 613254.

Submissions (3):

GeneDx
Classification: Likely pathogenic. Last evaluated: 2024-03-19. Review status: criteria provided, single submitter. Criteria: GeneDx Variant Classification Process June 2021. Collection method: clinical testing. Allele origin: germline. Affected: yes.
Comment: Not observed at significant frequency in large population cohorts (gnomAD); In silico analysis supports that this missense variant has a deleterious effect on protein structure/function; This variant is associated with the following publications: (PMID: 27859028)

Labcorp Genetics (formerly Invitae), Labcorp
Classification: Likely pathogenic for Tuberous sclerosis 2. Last evaluated: 2024-03-15. Review status: criteria provided, single submitter. Criteria: Invitae Variant Classification Sherloc (09022015). Collection method: clinical testing. Allele origin: germline.
Comment: This sequence change replaces leucine, which is neutral and non-polar, with proline, which is neutral and non-polar, at codon 706 of the TSC2 protein (p.Leu706Pro). This variant is not present in population databases (gnomAD no frequency). This missense change has been observed in individual(s) with tuberous sclerosis complex (PMID: 27859028). In at least one individual the variant was observed to be de novo. ClinVar contains an entry for this variant (Variation ID: 1709718). Advanced modeling of protein sequence and biophysical properties (such as structural, functional, and spatial information, amino acid conservation, physicochemical variation, residue mobility, and thermodynamic stability) has been performed at Invitae for this missense variant, however the output from this modeling did not meet the statistical confidence thresholds required to predict the impact of this variant on TSC2 protein function. In summary, the currently available evidence indicates that the variant is pathogenic, but additional data are needed to prove that conclusively. Therefore, this variant has been classified as Likely Pathogenic.

MGZ Medical Genetics Center
Classification: Uncertain significance for Tuberous sclerosis 2. Last evaluated: 2022-08-01. Review status: criteria provided, single submitter. Criteria: ACMG Guidelines, 2015. Collection method: clinical testing. Allele origin: germline. Affected: yes. Observed: 1 variant allele.
Comment: ACMG criteria applied: PS4_MOD, PM2_SUP, PP3

Literature cited by the submitters: PubMed 27859028 (cited by Labcorp Genetics (formerly Invitae), Labcorp).

NM_000548.5(TSC2):c.2117T>C (p.Leu706Pro)

Gene: TSC2 (TSC complex subunit 2; plus strand). Cytogenetic location: 16p13.3.
Variant type: single nucleotide variant.
Coding change: c.2117T>C on transcript NM_000548.5 (MANE Select); coding-DNA position 2117, T replaced by C.
Protein change: p.Leu706Pro; replaces leucine 706 with proline.
Molecular consequence: missense variant.
Genome position (GRCh38, 1-based): chr16:2,072,260, T>C. VCF-style: chr16-2072260-T-C. GRCh37 (hg19) VCF-style: chr16-2122261-T-C.
Other names: c.2117T>C, p.Leu706Pro (NM_001077183.3, NM_001114382.3, NM_001363528.2 and 6 more transcripts); c.2006T>C, p.Leu669Pro (NM_001318827.2, NM_001406678.1, NM_001406670.1); c.1970T>C, p.Leu657Pro (NM_001318829.2, NM_001406675.1, NM_001406676.1 and 1 more transcripts); c.1517T>C, p.Leu506Pro (NM_001318831.2, NM_001406680.1, NM_001406682.1 and 6 more transcripts); c.2150T>C, p.Leu717Pro (NM_001318832.2); c.2060T>C, p.Leu687Pro (NM_001406677.1); c.1655T>C, p.Leu552Pro (NM_001406681.1); c.773T>C, p.Leu258Pro (NM_001406694.1, NM_001406695.1, NM_001406696.1 and 6 more transcripts); and 3 more; short protein forms L172P, L258P, L506P, L552P, L657P, L669P, L687P, L702P.
Identifiers: ClinVar variation 1709718 (VCV001709718.5), dbSNP rs2151316174, ClinGen allele CA394274786.